The following is an entry in ClinVar:

ClinVar aggregate classification (germline): Uncertain significance (1 of 4 stars; one submission).

Allele frequency attached by ClinVar (database versions not stated): TOPMed below 0.00001.

Submission:

Labcorp Genetics (formerly Invitae), Labcorp
Classification: Uncertain significance. Last evaluated: 2022-04-12. Review status: criteria provided, single submitter. Criteria: Invitae Variant Classification Sherloc (09022015). Collection method: clinical testing. Allele origin: germline.
Comment: Algorithms developed to predict the effect of missense changes on protein structure and function are either unavailable or do not agree on the potential impact of this missense change (SIFT: "Deleterious"; PolyPhen-2: "Benign"; Align-GVGD: "Class C0"). This variant has not been reported in the literature in individuals affected with RCBTB1-related conditions. This variant is not present in population databases (gnomAD no frequency). This sequence change replaces glutamine, which is neutral and polar, with histidine, which is basic and polar, at codon 504 of the RCBTB1 protein (p.Gln504His). In summary, the available evidence is currently insufficient to determine the role of this variant in disease. Therefore, it has been classified as a Variant of Uncertain Significance.

NM_018191.4(RCBTB1):c.1512G>T (p.Gln504His)

Gene: RCBTB1 (RCC1 and BTB domain containing protein 1; minus strand). Cytogenetic location: 13q14.2.
Variant type: single nucleotide variant.
Coding change: c.1512G>T on transcript NM_018191.4 (MANE Select); coding-DNA position 1512, G replaced by T.
Protein change: p.Gln504His; replaces glutamine 504 with histidine.
Molecular consequence: missense variant. On other transcripts: non-coding transcript variant (2).
Genome position (GRCh38, 1-based): chr13:49,534,206, C>A on the plus strand (G>T on the coding strand, the complement: RCBTB1 is on the minus strand). VCF-style: chr13-49534206-C-A. GRCh37 (hg19) VCF-style: chr13-50108342-C-A.
Other names: c.1512G>T, p.Gln504His (NM_001352500.2, NM_001352501.2, NM_001352502.2 and 1 more transcripts); c.933G>T, p.Gln311His (NM_001352506.2); short protein forms Q311H, Q504H.
Identifiers: ClinVar variation 1956178 (VCV001956178.4), dbSNP rs1959755942, ClinGen allele CA388185185.